The following is an entry in ClinVar:

NM_000059.4(BRCA2):c.1517T>A (p.Phe506Tyr)

Gene: BRCA2 (BRCA2 DNA repair associated; plus strand). Cytogenetic location: 13q13.1.
Variant type: single nucleotide variant.
Coding change: c.1517T>A on transcript NM_000059.4 (MANE Select); coding-DNA position 1517, T replaced by A.
Protein change: p.Phe506Tyr; replaces phenylalanine 506 with tyrosine.
Molecular consequence: missense variant. On other transcripts: non-coding transcript variant (1), intron variant (1).
Genome position (GRCh38, 1-based): chr13:32,332,995, T>A. VCF-style: chr13-32332995-T-A. GRCh37 (hg19) VCF-style: chr13-32907132-T-A.
Other names: c.1517T>A, p.Phe506Tyr (NM_001406720.1, NM_001406721.1, NM_001432077.1 and 1 more transcripts); c.424+1965T>A (NM_001406722.1); short protein forms F506Y.
Identifiers: ClinVar variation 4856483 (VCV004856483.1).

ClinVar aggregate classification (germline): Likely benign (1 of 4 stars; one submission).

Conditions:
Breast-ovarian cancer, familial, susceptibility to, 2 (BROVCA2). Also called: BRCA2 Hereditary Breast and Ovarian Cancer. Identifiers: Orphanet 145, MedGen C2675520, MONDO:0012933, OMIM 612555. Disease mechanism: loss of function.

gnomAD v4.1: 1 of 1,594,138 alleles (0.000063%); highest among the groups gnomAD compares: Non-Finnish European, 0.000085%; no homozygotes.

Submission:

Cancer Bioinformatics and Tumour Evolution Laboratory, Monash University
Classification: Likely benign for Breast-ovarian cancer, familial, susceptibility to, 2. Last evaluated: 2026-05-01. Review status: criteria provided, single submitter. Criteria: ClinGen BRCA1 and BRCA2 Guidelines, 2024. Collection method: curation. Allele origin: germline. Inheritance: Autosomal dominant inheritance.
Comment: Missense variant outside of a functional domain with no splice impact. BRCA1 and BRCA2 VCEP guidelines recommend application of BP1_Strong (PMID: 39142283)